The following is an entry in ClinVar:

NM_004933.3(CDH15):c.506C>G (p.Thr169Ser)

Gene: CDH15 (cadherin 15; plus strand). Cytogenetic location: 16q24.3.
Variant type: single nucleotide variant.
Coding change: c.506C>G on transcript NM_004933.3 (MANE Select); coding-DNA position 506, C replaced by G.
Protein change: p.Thr169Ser; replaces threonine 169 with serine.
Molecular consequence: missense variant.
Genome position (GRCh38, 1-based): chr16:89,185,176, C>G. VCF-style: chr16-89185176-C-G. GRCh37 (hg19) VCF-style: chr16-89251584-C-G.
Other names: short protein forms T169S.
Identifiers: ClinVar variation 4849110 (VCV004849110.1).
Genomic context (GRCh38, chr16:89,185,176, plus strand): 5'-GCCCCCAGCCCATCGGCCCTGTGGACGTTGGCCCTCACGCCTCCCTGTGCTTCCCAGGCA[C>G]CTATGTGACCAGGGCAGAGGCCACAGATGCCGACGACCCCGAGACGGACAACGCAGCGCT-3'
Protein context (NP_004924.1, residues 159-179): GRVLEGAVPG[Thr169Ser]YVTRAEATDA

ClinVar aggregate classification (germline): Uncertain significance (1 of 4 stars; one submission).

gnomAD v4.1: 3 of 1,597,782 alleles (0.00019%); highest among the groups gnomAD compares: East Asian, 0.0045%; no homozygotes.

Submission:

Women's Health and Genetics/Laboratory Corporation of America, LabCorp
Classification: Uncertain significance. Last evaluated: 2026-04-24. Review status: criteria provided, single submitter. Criteria: LabCorp Variant Classification Summary - May 2015. Collection method: clinical testing. Allele origin: germline.
Comment: Variant summary: CDH15 c.506C>G (p.Thr169Ser) results in a conservative amino acid change in the encoded protein sequence. Algorithms developed to predict the effect of missense changes on protein structure and function are either unavailable or do not agree on the potential impact of this missense change. The variant allele was found at a frequency of 4.5e-06 in 223468 control chromosomes. The available data on variant occurrences in the general population are insufficient to allow any conclusion about variant significance. To our knowledge, no occurrence of c.506C>G in individuals affected with CDH15-related conditions and no experimental evidence demonstrating its impact on protein function have been reported. No submitters have cited clinical-significance assessments for this variant to ClinVar. Based on the evidence outlined above, the variant was classified as uncertain significance.